The following is an entry in ClinVar:

NM_002485.5(NBN):c.1432T>G (p.Cys478Gly)

Gene: NBN (nibrin; minus strand). Cytogenetic location: 8q21.3.
Variant type: single nucleotide variant.
Coding change: c.1432T>G on transcript NM_002485.5 (MANE Select); coding-DNA position 1432, T replaced by G.
Protein change: p.Cys478Gly; replaces cysteine 478 with glycine.
Molecular consequence: missense variant.
Genome position (GRCh38, 1-based): chr8:89,953,657, A>C on the plus strand (T>G on the coding strand, the complement: NBN is on the minus strand). VCF-style: chr8-89953657-A-C. GRCh37 (hg19) VCF-style: chr8-90965885-A-C.
Other names: c.1186T>G, p.Cys396Gly (NM_001024688.3); short protein forms C396G, C478G.
Identifiers: ClinVar variation 837123 (VCV000837123.14), dbSNP rs1199013619, ClinGen allele CA371655863.
Genomic context (GRCh38, chr8:89,953,657, plus strand): 5'-GTGTAGCAGGTTGTGTTTGTTCTAAAAGAGAACAAGACGTTTCTATTCTTGCTGATTTGC[A>C]TGAAGACATTTCTTGATTTTCTTCATCCCTTTCCCTTAGATTTAAAAAAAAAGAAGAAAA-3'
Protein context (NP_002476.2, residues 468-488): RDEENQEMSS[Cys478Gly]KSARIETSCS

ClinVar aggregate classification (germline): Uncertain significance. Review status: criteria provided, multiple submitters, no conflicts (2 of 4 stars). 2 submissions from 2 submitters: Uncertain significance (2). Last evaluated 2024-11-26.

Conditions:
Hereditary cancer-predisposing syndrome. Also called: Neoplastic Syndromes, Hereditary; Hereditary neoplastic syndrome; Tumor predisposition; Hereditary Cancer Syndrome. Identifiers: Orphanet 140162, MedGen C0027672, MeSH D009386, MONDO:0015356.
Microcephaly, normal intelligence and immunodeficiency (NBS). Also called: Ataxia telangiectasia variant V1; Nijmegen breakage syndrome; Immunodeficiency, microcephaly with normal intelligence; IMMUNODEFICIENCY, MICROCEPHALY, AND CHROMOSOMAL INSTABILITY; SEEMANOVA SYNDROME II; BERLIN BREAKAGE SYNDROME. Identifiers: Orphanet 647, MedGen C0398791, MONDO:0009623, OMIM 251260.

Submissions (2):

Labcorp Genetics (formerly Invitae), Labcorp
Classification: Uncertain significance for Microcephaly, normal intelligence and immunodeficiency. Last evaluated: 2024-11-26. Review status: criteria provided, single submitter. Criteria: Invitae Variant Classification Sherloc (09022015). Collection method: clinical testing. Allele origin: germline.
Comment: This sequence change replaces cysteine, which is neutral and slightly polar, with glycine, which is neutral and non-polar, at codon 478 of the NBN protein (p.Cys478Gly). This variant is not present in population databases (gnomAD no frequency). This variant has not been reported in the literature in individuals affected with NBN-related conditions. ClinVar contains an entry for this variant (Variation ID: 837123). An algorithm developed to predict the effect of missense changes on protein structure and function (PolyPhen-2) suggests that this variant is likely to be tolerated. In summary, the available evidence is currently insufficient to determine the role of this variant in disease. Therefore, it has been classified as a Variant of Uncertain Significance.

Ambry Genetics
Classification: Uncertain significance for Hereditary cancer-predisposing syndrome. Last evaluated: 2023-09-09. Review status: criteria provided, single submitter. Criteria: Ambry Variant Classification Scheme 2023. Collection method: clinical testing. Allele origin: germline.
Comment: The p.C478G variant (also known as c.1432T>G), located in coding exon 11 of the NBN gene, results from a T to G substitution at nucleotide position 1432. The cysteine at codon 478 is replaced by glycine, an amino acid with highly dissimilar properties. This amino acid position is conserved. In addition, this alteration is predicted to be tolerated by in silico analysis. Since supporting evidence is limited at this time, the clinical significance of this alteration remains unclear.